The following is an entry in ClinVar:

ClinVar aggregate classification (germline): Uncertain significance. Review status: criteria provided, multiple submitters, no conflicts (2 of 4 stars). 2 submissions from 2 submitters: Uncertain significance (2). Last evaluated 2024-11-04.

gnomAD v4.1: 3 of 1,613,998 alleles (0.00019%); highest among the groups gnomAD compares: Non-Finnish European, 0.000085%; no homozygotes.

Submissions (2):

Labcorp Genetics (formerly Invitae), Labcorp
Classification: Uncertain significance. Last evaluated: 2024-11-04. Review status: criteria provided, single submitter. Criteria: Invitae Variant Classification Sherloc (09022015). Collection method: clinical testing. Allele origin: germline.
Comment: This sequence change replaces isoleucine, which is neutral and non-polar, with leucine, which is neutral and non-polar, at codon 677 of the CEP63 protein (p.Ile677Leu). This variant is not present in population databases (gnomAD no frequency). This variant has not been reported in the literature in individuals affected with CEP63-related conditions. ClinVar contains an entry for this variant (Variation ID: 809548). Invitae Evidence Modeling of protein sequence and biophysical properties (such as structural, functional, and spatial information, amino acid conservation, physicochemical variation, residue mobility, and thermodynamic stability) indicates that this missense variant is not expected to disrupt CEP63 protein function with a negative predictive value of 80%. In summary, the available evidence is currently insufficient to determine the role of this variant in disease. Therefore, it has been classified as a Variant of Uncertain Significance.

CeGaT Center for Human Genetics Tuebingen
Classification: Uncertain significance. Last evaluated: 2016-05-01. Review status: criteria provided, single submitter. Criteria: CeGaT Center For Human Genetics Tuebingen Variant Classification Criteria Version 2. Collection method: clinical testing. Allele origin: germline. Affected: yes. Observed: 1 variant allele.

NM_001353108.3(CEP63):c.2029A>C (p.Ile677Leu)

Gene: CEP63 (centrosomal protein 63; plus strand). Cytogenetic location: 3q22.2.
Variant type: single nucleotide variant.
Coding change: c.2029A>C on transcript NM_001353108.3 (MANE Select); coding-DNA position 2029, A replaced by C.
Protein change: p.Ile677Leu; replaces isoleucine 677 with leucine.
Molecular consequence: missense variant. On other transcripts: non-coding transcript variant (4), intron variant (5).
Genome position (GRCh38, 1-based): chr3:134,561,452, A>C. VCF-style: chr3-134561452-A-C. GRCh37 (hg19) VCF-style: chr3-134280294-A-C.
Other names: c.1405A>C, p.Ile469Leu (NM_001042383.2, NM_001353119.2, NM_001353120.2 and 2 more transcripts); c.1543A>C, p.Ile515Leu (NM_001042400.3, NM_001353110.1, NM_001353111.2 and 1 more transcripts); c.1891A>C, p.Ile631Leu (NM_001353109.1); c.1432A>C, p.Ile478Leu (NM_001353118.1); c.1321A>C, p.Ile441Leu (NM_001353125.2); c.1042A>C, p.Ile348Leu (NM_001353126.2); c.2029A>C, p.Ile677Leu (NM_025180.5); c.1467+9440A>C (NM_001353113.1, NM_001353117.2); and 1 more; short protein forms I515L, I441L, I469L, I631L, I348L, I478L, I677L.
Identifiers: ClinVar variation 809548 (VCV000809548.45), dbSNP rs769746268, ClinGen allele CA354634770.